The following is an entry in ClinVar:

NM_033453.4(ITPA):c.557A>G (p.Gln186Arg)

Gene: ITPA (inosine triphosphatase; plus strand). Cytogenetic location: 20p13.
Variant type: single nucleotide variant.
Coding change: c.557A>G on transcript NM_033453.4 (MANE Select); coding-DNA position 557, A replaced by G.
Protein change: p.Gln186Arg; replaces glutamine 186 with arginine.
Molecular consequence: missense variant. On other transcripts: non-coding transcript variant (2), intron variant (1).
Genome position (GRCh38, 1-based): chr20:3,223,434, A>G. VCF-style: chr20-3223434-A-G. GRCh37 (hg19) VCF-style: chr20-3204080-A-G.
Other names: c.434A>G, p.Gln145Arg (NM_001267623.2); c.220A>G, p.Arg74Gly (NM_001324236.2, NM_001324237.2, NM_001324238.2 and 1 more transcripts); c.604A>G, p.Arg202Gly (NM_001424408.1); c.683A>G, p.Gln228Arg (NM_001424409.1); c.506A>G, p.Gln169Arg (NM_181493.4); c.412-3249A>G (NM_001324240.2); short protein forms R74G, Q145R, Q169R, Q186R, Q228R, R202G.
Identifiers: ClinVar variation 2187287 (VCV002187287.4), dbSNP rs761952728, ClinGen allele CA9741368.

ClinVar aggregate classification (germline): Uncertain significance (1 of 4 stars; one submission).

Conditions:
Inosine triphosphatase deficiency. Also called: INOSINE TRIPHOSPHATE PYROPHOSPHOHYDROLASE DEFICIENCY. Identifiers: MedGen C0342800, MONDO:0013461, OMIM 613850.

Allele frequency attached by ClinVar (database versions not stated): ExAC 0.00001; gnomAD 0.00001; gnomAD exomes 0.00001; TOPMed 0.00001.

Submission:

Labcorp Genetics (formerly Invitae), Labcorp
Classification: Uncertain significance for Inosine triphosphatase deficiency. Last evaluated: 2024-10-16. Review status: criteria provided, single submitter. Criteria: Invitae Variant Classification Sherloc (09022015). Collection method: clinical testing. Allele origin: germline.
Comment: This sequence change replaces glutamine, which is neutral and polar, with arginine, which is basic and polar, at codon 186 of the ITPA protein (p.Gln186Arg). This variant is present in population databases (rs761952728, gnomAD 0.002%). This variant has not been reported in the literature in individuals affected with ITPA-related conditions. ClinVar contains an entry for this variant (Variation ID: 2187287). An algorithm developed to predict the effect of missense changes on protein structure and function (PolyPhen-2) suggests that this variant is likely to be tolerated. In summary, the available evidence is currently insufficient to determine the role of this variant in disease. Therefore, it has been classified as a Variant of Uncertain Significance.